The following is an entry in ClinVar:

ClinVar aggregate classification (germline): Uncertain significance. Review status: criteria provided, multiple submitters, no conflicts (2 of 4 stars). 2 submissions from 2 submitters: Uncertain significance (2). Last evaluated 2025-03-29.

Conditions:
Hereditary cancer-predisposing syndrome. Also called: Neoplastic Syndromes, Hereditary; Tumor predisposition; Hereditary Cancer Syndrome; Hereditary neoplastic syndrome. Identifiers: Orphanet 140162, MedGen C0027672, MeSH D009386, MONDO:0015356.
EGFR-related lung cancer (EGFR). Identifiers: MedGen CN130014.

Allele frequency attached by ClinVar (database versions not stated): TOPMed below 0.00001; gnomAD 0.00001; gnomAD exomes 0.00001.
gnomAD v4.1: 17 of 1,614,050 alleles (0.0011%); highest among the groups gnomAD compares: Non-Finnish European, 0.0014%; no homozygotes.

Submissions (2):

Ambry Genetics
Classification: Uncertain significance for Hereditary cancer-predisposing syndrome. Last evaluated: 2025-03-29. Review status: criteria provided, single submitter. Criteria: Ambry Variant Classification Scheme 2023. Collection method: clinical testing. Allele origin: germline.
Comment: The p.V1011L variant (also known as c.3031G>C), located in coding exon 25 of the EGFR gene, results from a G to C substitution at nucleotide position 3031. The valine at codon 1011 is replaced by leucine, an amino acid with highly similar properties. This amino acid position is conserved. In addition, this alteration is predicted to be tolerated by in silico analysis. Based on the available evidence, the clinical significance of this variant remains unclear.

Labcorp Genetics (formerly Invitae), Labcorp
Classification: Uncertain significance for EGFR-related lung cancer. Last evaluated: 2025-02-27. Review status: criteria provided, single submitter. Criteria: Invitae Variant Classification Sherloc (09022015). Collection method: clinical testing. Allele origin: germline.
Comment: This sequence change replaces valine, which is neutral and non-polar, with leucine, which is neutral and non-polar, at codon 1011 of the EGFR protein (p.Val1011Leu). This variant is present in population databases (no rsID available, gnomAD 0.007%). This variant has not been reported in the literature in individuals affected with EGFR-related conditions. ClinVar contains an entry for this variant (Variation ID: 1002578). Invitae Evidence Modeling of protein sequence and biophysical properties (such as structural, functional, and spatial information, amino acid conservation, physicochemical variation, residue mobility, and thermodynamic stability) indicates that this missense variant is not expected to disrupt EGFR protein function with a negative predictive value of 80%. In summary, the available evidence is currently insufficient to determine the role of this variant in disease. Therefore, it has been classified as a Variant of Uncertain Significance.

NM_005228.5(EGFR):c.3031G>C (p.Val1011Leu)

Gene: EGFR (epidermal growth factor receptor; plus strand). Cytogenetic location: 7p11.2.
Variant type: single nucleotide variant.
Coding change: c.3031G>C on transcript NM_005228.5 (MANE Select); coding-DNA position 3031, G replaced by C.
Protein change: p.Val1011Leu; replaces valine 1011 with leucine.
Molecular consequence: missense variant.
Genome position (GRCh38, 1-based): chr7:55,201,272, G>C. VCF-style: chr7-55201272-G-C. GRCh37 (hg19) VCF-style: chr7-55268965-G-C.
Other names: c.3031G>C (NM_005228.3); c.2896G>C, p.Val966Leu (NM_001346897.2, NM_001346899.2); c.3031G>C, p.Val1011Leu (NM_001346898.2); c.2872G>C, p.Val958Leu (NM_001346900.2); c.2230G>C, p.Val744Leu (NM_001346941.2); short protein forms V1011L, V744L, V958L, V966L.
Identifiers: ClinVar variation 1002578 (VCV001002578.11), dbSNP rs1226829354, ClinGen allele CA367582521.